The following is an entry in ClinVar:

NM_001384474.1(LOXHD1):c.2135A>G (p.Lys712Arg)

Gene: LOXHD1 (lipoxygenase homology PLAT domains 1; minus strand). Cytogenetic location: 18q21.1.
Variant type: single nucleotide variant.
Coding change: c.2135A>G on transcript NM_001384474.1 (MANE Select); coding-DNA position 2135, A replaced by G.
Protein change: p.Lys712Arg; replaces lysine 712 with arginine.
Molecular consequence: missense variant.
Genome position (GRCh38, 1-based): chr18:46,569,551, T>C on the plus strand (A>G on the coding strand, the complement: LOXHD1 is on the minus strand). VCF-style: chr18-46569551-T-C. GRCh37 (hg19) VCF-style: chr18-44149514-T-C.
Other names: c.2135A>G, p.Lys712Arg (NM_144612.7); short protein forms K712R.
Identifiers: ClinVar variation 1702590 (VCV001702590.5), dbSNP rs1010867059, ClinGen allele CA299797769.

ClinVar aggregate classification (germline): Uncertain significance. Review status: criteria provided, multiple submitters, no conflicts (2 of 4 stars). 2 submissions from 2 submitters: Uncertain significance (2). Last evaluated 2025-08-31.

Conditions:
Inborn genetic diseases. Identifiers: MedGen C0950123, MeSH D030342.

Allele frequency attached by ClinVar (database versions not stated): gnomAD exomes 0.00001 and 0.00002; gnomAD 0.00007 and 0.00008; TOPMed 0.00008.
gnomAD v4.1: 25 of 1,551,744 alleles (0.0016%); highest among the groups gnomAD compares: African/African-American, 0.021%; no homozygotes.

Submissions (2):

Ambry Genetics
Classification: Uncertain significance for Inborn genetic diseases. Last evaluated: 2025-08-31. Review status: criteria provided, single submitter. Criteria: Ambry Variant Classification Scheme 2023. Collection method: clinical testing. Allele origin: germline.

GeneDx
Classification: Uncertain significance. Last evaluated: 2022-02-10. Review status: criteria provided, single submitter. Criteria: GeneDx Variant Classification Process June 2021. Collection method: clinical testing. Allele origin: germline. Affected: yes.
Comment: In silico analysis supports that this missense variant does not alter protein structure/function; Has not been previously published as pathogenic or benign to our knowledge